The following is an entry in ClinVar:

ClinVar aggregate classification (germline): Pathogenic/Likely pathogenic. Review status: criteria provided, multiple submitters, no conflicts (2 of 4 stars). 2 submissions from 2 submitters: Pathogenic (1); Likely pathogenic (1). Last evaluated 2024-11-14.

Conditions:
Primary hyperoxaluria, type I (HP1). Also called: OXALOSIS I; Primary hyperoxaluria type 1; GLYCOLIC ACIDURIA; HEPATIC AGT DEFICIENCY. Identifiers: Orphanet 416, Orphanet 93598, MedGen C0268164, MONDO:0009823, OMIM 259900. Disease mechanism: loss of function.

Submissions (2):

Natera, Inc.
Classification: Likely pathogenic for Primary hyperoxaluria type I. Last evaluated: 2024-11-14. Review status: criteria provided, single submitter. Criteria: Natera Variant Classification Schema (03/2026). Collection method: clinical testing. Allele origin: germline.
Comment: The c.994_995del variant in AGXT is a frameshift variant predicted to shift the reading frame beginning at codon 332 and leads to a stop codon 14 codons downstream. This variant is expected to result in nonsense mediated decay, truncation, or a dysfunctional protein product. This variant is rare in the general population with a frequency below the threshold expected for the associated phenotype(s). This variant has been observed in one or more individuals affected with the associated recessive disease, as either homozygous or compound heterozygous with a second variant (PMID: 38312792). Given the available evidence, this variant is classified as Likely Pathogenic.

Thalassemia Center, San Luigi University Hospital
Classification: Pathogenic for Primary hyperoxaluria, type I. Last evaluated: 2023-10-27. Review status: criteria provided, single submitter. Criteria: ACMG Guidelines, 2015. Collection method: clinical testing. Allele origin: germline. Affected: yes.
Comment: ACMG:PVS1 PM2 PM4 PP3 PP4 PP5

Literature cited by the submitters: PubMed 38312792 (cited by Natera, Inc.).

NM_000030.3(AGXT):c.994_995del (p.Trp332fs)

Gene: AGXT (alanine--glyoxylate aminotransferase; plus strand). Cytogenetic location: 2q37.3.
Variant type: Deletion.
Coding change: c.994_995del on transcript NM_000030.3 (MANE Select); coding-DNA positions 994 to 995, 2 bases deleted (TG; older notation c.994_995delTG).
Protein change: p.Trp332fs; shifts the reading frame from tryptophan 332.
Molecular consequence: frameshift variant.
Genome position (GRCh38, 1-based): chr2:240,878,073-240,878,074, TG deleted. VCF-style (leftmost placement, unchanged base first): chr2-240878072-CTG-C. GRCh37 (hg19) VCF-style: chr2-241817489-CTG-C.
Other names: short protein forms W332fs.
Identifiers: ClinVar variation 2671859 (VCV002671859.2), dbSNP rs2528764378, ClinGen allele CA2695197712.